The following is an entry in ClinVar:

ClinVar aggregate classification (germline): Uncertain significance (1 of 4 stars; one submission).

Submission:

Labcorp Genetics (formerly Invitae), Labcorp
Classification: Uncertain significance. Last evaluated: 2025-08-22. Review status: criteria provided, single submitter. Criteria: Invitae Variant Classification Sherloc (09022015). Collection method: clinical testing. Allele origin: germline.
Comment: This sequence change replaces arginine, which is basic and polar, with cysteine, which is neutral and slightly polar, at codon 21 of the RBM10 protein (p.Arg21Cys). This variant is present in population databases (rs782165166, gnomAD 0.005%), including at least one homozygous and/or hemizygous individual. This variant has not been reported in the literature in individuals affected with RBM10-related conditions. Experimental studies and prediction algorithms are not available or were not evaluated, and the functional significance of this variant is currently unknown. In summary, the available evidence is currently insufficient to determine the role of this variant in disease. Therefore, it has been classified as a Variant of Uncertain Significance.

NM_005676.5(RBM10):c.61C>T (p.Arg21Cys)

Gene: RBM10 (RNA binding motif protein 10; plus strand). Cytogenetic location: Xp11.3.
Variant type: single nucleotide variant.
Coding change: c.61C>T on transcript NM_005676.5 (MANE Select); coding-DNA position 61, C replaced by T.
Protein change: p.Arg21Cys; replaces arginine 21 with cysteine.
Molecular consequence: missense variant.
Genome position (GRCh38, 1-based): chrX:47,169,358, C>T. VCF-style: chrX-47169358-C-T. GRCh37 (hg19) VCF-style: chrX-47028757-C-T.
Other names: c.61C>T, p.Arg21Cys (NM_001204466.2, NM_001204467.2, NM_152856.3); c.256C>T, p.Arg86Cys (NM_001204468.2, NM_001440861.1, NM_001440862.1 and 1 more transcripts); short protein forms R86C, R21C.
Identifiers: ClinVar variation 4761034 (VCV004761034.1).